The following is an entry in ClinVar:

ClinVar aggregate classification (germline): Uncertain significance. Review status: criteria provided, multiple submitters, no conflicts (2 of 4 stars). 2 submissions from 2 submitters: Uncertain significance (2). Last evaluated 2026-01-05.

Conditions:
Aicardi-Goutieres syndrome 2. Identifiers: Orphanet 51, MedGen C3489724, MONDO:0012429, OMIM 610181.

Submissions (2):

Myriad Genetics, Inc.
Classification: Uncertain significance for Aicardi-Goutieres syndrome 2. Last evaluated: 2026-01-05. Review status: criteria provided, single submitter. Criteria: Myriad Autosomal Dominant, Autosomal Recessive and X-Linked Classification Criteria (2023). Collection method: clinical testing. Allele origin: unknown.
Comment: NM_024570.3(RNASEH2B):c.914dupA(N305Kfs*2) is a frameshift variant classified as a variant of uncertain significance in the context of Aicardi-Goutires syndrome, RNASEH2B-related. N305Kfs*2 has not been observed in cases with relevant disease. Relevant functional assessments of this variant are not available in the literature. N305Kfs*2 has not been observed in referenced population frequency databases. In summary, there is insufficient evidence to classify NM_024570.3(RNASEH2B):c.914dupA(N305Kfs*2) as pathogenic or benign. Please note: this variant was assessed in the context of healthy population screening.

Labcorp Genetics (formerly Invitae), Labcorp
Classification: Uncertain significance for Aicardi-Goutieres syndrome 2. Last evaluated: 2022-02-17. Review status: criteria provided, single submitter. Criteria: Invitae Variant Classification Sherloc (09022015). Collection method: clinical testing. Allele origin: germline.
Comment: This sequence change creates a premature translational stop signal (p.Asn305Lysfs*2) in the RNASEH2B gene. While this is not anticipated to result in nonsense mediated decay, it is expected to disrupt the last 8 amino acid(s) of the RNASEH2B protein. This variant is not present in population databases (gnomAD no frequency). This variant has not been reported in the literature in individuals affected with RNASEH2B-related conditions. Experimental studies and prediction algorithms are not available or were not evaluated, and the functional significance of this variant is currently unknown. Algorithms developed to predict the effect of sequence changes on RNA splicing suggest that this variant is not likely to affect RNA splicing. In summary, the available evidence is currently insufficient to determine the role of this variant in disease. Therefore, it has been classified as a Variant of Uncertain Significance.

NM_024570.4(RNASEH2B):c.914dup (p.Asn305fs)

Gene: RNASEH2B (ribonuclease H2 subunit B; plus strand). Cytogenetic location: 13q14.3.
Variant type: Duplication.
Coding change: c.914dup on transcript NM_024570.4 (MANE Select); coding-DNA position 914, one base duplicated (A; older notation c.914dupA).
Protein change: p.Asn305fs; shifts the reading frame from asparagine 305.
Molecular consequence: frameshift variant. On other transcripts: intron variant (1).
Genome position (GRCh38, 1-based): chr13:50,956,449, A duplicated; the last of 6 consecutive A bases (chr13:50,956,444-50,956,449); duplicating any one gives the same sequence. VCF-style (leftmost placement, unchanged base first): chr13-50956443-T-TA. GRCh37 (hg19) VCF-style: chr13-51530579-T-TA.
Other names: c.741+6944dup (NM_001142279.2); short protein forms N305fs.
Identifiers: ClinVar variation 1984311 (VCV001984311.2), dbSNP rs1566091633, ClinGen allele CA645595548.